The following is an entry in ClinVar:

ClinVar aggregate classification (germline): Pathogenic (1 of 4 stars; one submission).

Conditions:
Hypertrophic cardiomyopathy 4. Also called: Familial hypertrophic cardiomyopathy 4. Identifiers: MedGen C1861862, MONDO:0007268, OMIM 115197.

Submission:

Victorian Clinical Genetics Services, Murdoch Childrens Research Institute
Classification: Pathogenic for Hypertrophic cardiomyopathy 4. Last evaluated: 2022-09-02. Review status: criteria provided, single submitter. Criteria: ACMG Guidelines, 2015. Collection method: clinical testing. Allele origin: germline. Affected: yes.
Comment: Based on the classification scheme VCGS_Germline_v1.3.4, this variant is classified as Pathogenic. Following criteria are met: 0102 - Loss of function is a known mechanism of disease in this gene and is associated with hypertrophic cardiomyopathy 4 (HCM; MIM#115197). (I) 0108 - This gene is associated with both recessive and dominant disease. Dominant inheritance is frequently reported in adult onset conditions and recessive inheritance results in a more severe early onset phenotype (OMIM). (I) 0115 - Variants in this gene are known to have variable expressivity (PMID: 32841044). (I) 0201 - Variant is predicted to cause nonsense-mediated decay (NMD) and loss of protein (premature termination codon is located at least 54 nucleotides upstream of the final exon-exon junction). (SP) 0251 - This variant is heterozygous. (I) 0301 - Variant is absent from gnomAD (both v2 and v3). (SP) 0701 - Other null variants comparable to the one identified in this case have very strong previous evidence for pathogenicity. There are at least ten NMD-predicted variants that have been classified as likely pathogenic or pathogenic (DECIPHER). (SP) 0807 - This variant has no previous evidence of pathogenicity. (I) 1007 - No published functional evidence has been identified for this variant. (I) 1208 - Inheritance information for this variant is not currently available in this individual. (I) Legend: (SP) - Supporting pathogenic, (I) - Information, (SB) - Supporting benign

Literature cited by the submitters: PubMed 32841044.

NM_000256.3(MYBPC3):c.159del (p.Asn53fs)

Gene: MYBPC3 (myosin binding protein C3; minus strand). Cytogenetic location: 11p11.2.
Variant type: Deletion.
Coding change: c.159del on transcript NM_000256.3 (MANE Select); coding-DNA position 159, one base deleted (C; older notation c.159delC).
Protein change: p.Asn53fs; shifts the reading frame from asparagine 53.
Molecular consequence: frameshift variant.
Genome position (GRCh38, 1-based): chr11:47,351,372, G deleted on the plus strand (C on the coding strand, the reverse complement: MYBPC3 is on the minus strand). VCF-style (leftmost placement, unchanged base first): chr11-47351371-TG-T. GRCh37 (hg19) VCF-style: chr11-47372922-TG-T.
Other names: c.159delC (NM_000256.3); short protein forms N53fs.
Identifiers: ClinVar variation 3377500 (VCV003377500.1).